The following is an entry in ClinVar:

NM_006133.3(DAGLA):c.1454T>C (p.Leu485Pro)

Gene: DAGLA (diacylglycerol lipase alpha; plus strand). Cytogenetic location: 11q12.2.
Variant type: single nucleotide variant.
Coding change: c.1454T>C on transcript NM_006133.3 (MANE Select); coding-DNA position 1454, T replaced by C.
Protein change: p.Leu485Pro; replaces leucine 485 with proline.
Molecular consequence: missense variant.
Genome position (GRCh38, 1-based): chr11:61,737,264, T>C. VCF-style: chr11-61737264-T-C. GRCh37 (hg19) VCF-style: chr11-61504736-T-C.
Other names: short protein forms L485P.
Identifiers: ClinVar variation 3384525 (VCV003384525.1).
Genomic context (GRCh38, chr11:61,737,264, plus strand): 5'-GCCTGATTGTGGTGGGCCACTCCCTGGGCGCGGGCACTGCTGCCATCCTCTCCTTCCTTC[T>C]GCGCCCACAGTATCCGACCCTCAAGTGCTTTGCCTACTCCCCGCCAGGGGGCCTGCTGAG-3'
Protein context (NP_006124.1, residues 475-495): AGTAAILSFL[Leu485Pro]RPQYPTLKCF

ClinVar aggregate classification (germline): Uncertain significance (1 of 4 stars; one submission).

Submission:

GeneDx
Classification: Uncertain significance. Last evaluated: 2024-06-03. Review status: criteria provided, single submitter. Criteria: GeneDx Variant Classification Process June 2021. Collection method: clinical testing. Allele origin: germline. Affected: yes.
Comment: Not observed at significant frequency in large population cohorts (gnomAD); In silico analysis supports that this missense variant has a deleterious effect on protein structure/function; Has not been previously published as pathogenic or benign to our knowledge